The following is an entry in ClinVar:

ClinVar aggregate classification (germline): Uncertain significance (1 of 4 stars; one submission).

Allele frequency attached by ClinVar (database versions not stated): ExAC 0.00001; gnomAD exomes 0.00002 and 0.00004; gnomAD 0.00003; TOPMed 0.00004; ESP Exome Variant Server 0.00008.
gnomAD v4.1: 64 of 1,613,070 alleles (0.004%); highest among the groups gnomAD compares: African/African-American, 0.0093%; no homozygotes.

Submission:

Labcorp Genetics (formerly Invitae), Labcorp
Classification: Uncertain significance. Last evaluated: 2023-11-27. Review status: criteria provided, single submitter. Criteria: Invitae Variant Classification Sherloc (09022015). Collection method: clinical testing. Allele origin: germline.
Comment: This sequence change replaces serine, which is neutral and polar, with phenylalanine, which is neutral and non-polar, at codon 309 of the HTT protein (p.Ser309Phe). This variant is present in population databases (rs375799747, gnomAD 0.004%). This variant has not been reported in the literature in individuals affected with HTT-related conditions. ClinVar contains an entry for this variant (Variation ID: 1400842). Experimental studies and prediction algorithms are not available or were not evaluated, and the functional significance of this variant is currently unknown. In summary, the available evidence is currently insufficient to determine the role of this variant in disease. Therefore, it has been classified as a Variant of Uncertain Significance.

NM_001388492.1(HTT):c.920C>T (p.Ser307Phe)

Gene: HTT (huntingtin; plus strand). Cytogenetic location: 4p16.3.
Variant type: single nucleotide variant.
Coding change: c.920C>T on transcript NM_001388492.1 (MANE Select); coding-DNA position 920, C replaced by T.
Protein change: p.Ser307Phe; replaces serine 307 with phenylalanine.
Molecular consequence: missense variant.
Genome position (GRCh38, 1-based): chr4:3,116,115, C>T. VCF-style: chr4-3116115-C-T. GRCh37 (hg19) VCF-style: chr4-3117842-C-T.
Other names: c.926C>T, p.Ser309Phe (NM_002111.8); short protein forms S307F, S309F.
Identifiers: ClinVar variation 1400842 (VCV001400842.6), dbSNP rs375799747, ClinGen allele CA2823407.
Genomic context (GRCh38, chr4:3,116,115, plus strand): 5'-TGTTAAGATGTCTTGCTTCCACCCCCACAGGCTTACTCGTTCCTGTCGAGGATGAACACT[C>T]CACTCTGCTGATTCTTGGCGTGCTGCTCACCCTGAGGTATTTGGTGCCCTTGCTGCAGCA-3'
Protein context (NP_001375421.1, residues 297-317): GLLVPVEDEH[Ser307Phe]TLLILGVLLT